The following is an entry in ClinVar:

NM_004304.5(ALK):c.2898C>T (p.Tyr966=)

Gene: ALK (ALK receptor tyrosine kinase; minus strand). Cytogenetic location: 2p23.2.
Variant type: single nucleotide variant.
Coding change: c.2898C>T on transcript NM_004304.5 (MANE Select); coding-DNA position 2898, C replaced by T.
Protein change: p.Tyr966=; no amino-acid change (tyrosine 966 retained).
Molecular consequence: synonymous variant.
Genome position (GRCh38, 1-based): chr2:29,227,590, G>A on the plus strand (C>T on the coding strand, the complement: ALK is on the minus strand). VCF-style: chr2-29227590-G-A. GRCh37 (hg19) VCF-style: chr2-29450456-G-A.
Identifiers: ClinVar variation 772184 (VCV000772184.17), dbSNP rs113303272, ClinGen allele CA44634641.

ClinVar aggregate classification (germline): Conflicting classifications of pathogenicity. Review status: criteria provided, conflicting classifications (1 of 4 stars). 3 submissions from 3 submitters: Uncertain significance (1); Likely benign (2). Last evaluated 2025-12-08.

Conditions:
Neuroblastoma, susceptibility to, 3. Also called: ALK-Related Neuroblastic Tumor Susceptibility. Identifiers: Orphanet 635, MedGen C2751681, MONDO:0013083, OMIM 613014.
Hereditary cancer-predisposing syndrome. Also called: Hereditary neoplastic syndrome; Neoplastic Syndromes, Hereditary; Hereditary Cancer Syndrome; Tumor predisposition. Identifiers: Orphanet 140162, MedGen C0027672, MeSH D009386, MONDO:0015356.

Allele frequency attached by ClinVar (database versions not stated): TOPMed 0.00001; gnomAD exomes 0.00002.
gnomAD v4.1: 64 of 1,613,928 alleles (0.004%); highest among the groups gnomAD compares: African/African-American, 0.035%; 1 homozygote.

Submissions (3):

Labcorp Genetics (formerly Invitae), Labcorp
Classification: Likely benign for Neuroblastoma, susceptibility to, 3. Last evaluated: 2025-12-08. Review status: criteria provided, single submitter. Criteria: Invitae Variant Classification Sherloc (09022015). Collection method: clinical testing. Allele origin: germline.

Ambry Genetics
Classification: Uncertain significance for Hereditary cancer-predisposing syndrome. Last evaluated: 2025-10-27. Review status: criteria provided, single submitter. Criteria: Ambry Variant Classification Scheme 2023. Collection method: clinical testing. Allele origin: germline.
Comment: The c.2898C>T variant (also known as p.Y966Y), located in coding exon 17 of the ALK gene, results from a C to T substitution at nucleotide position 2898. This nucleotide substitution does not change the at codon 966. However, this change occurs in the base pair of coding exon 17, which makes it likely to have some effect on normal mRNA splicing. This nucleotide position is well conserved in available vertebrate species. In silico splice site analysis for this alteration is inconclusive. Based on the available evidence, the clinical significance of this variant remains unclear.

CeGaT Center for Human Genetics Tuebingen
Classification: Likely benign. Last evaluated: 2025-09-01. Review status: criteria provided, single submitter. Criteria: CeGaT Center For Human Genetics Tuebingen Variant Classification Criteria Version 2. Collection method: clinical testing. Allele origin: germline. Affected: yes. Observed: 1 variant allele.
Comment: ALK: BP4, BP7